The following is an entry in ClinVar:

NM_004304.5(ALK):c.4350C>T (p.Gly1450=)

Gene: ALK (ALK receptor tyrosine kinase; minus strand). Cytogenetic location: 2p23.2.
Variant type: single nucleotide variant.
Coding change: c.4350C>T on transcript NM_004304.5 (MANE Select); coding-DNA position 4350, C replaced by T.
Protein change: p.Gly1450=; no amino-acid change (glycine 1450 retained).
Molecular consequence: synonymous variant.
Genome position (GRCh38, 1-based): chr2:29,193,737, G>A on the plus strand (C>T on the coding strand, the complement: ALK is on the minus strand). VCF-style: chr2-29193737-G-A. GRCh37 (hg19) VCF-style: chr2-29416603-G-A.
Other names: c.1146C>T, p.Gly382= (NM_001353765.2).
Identifiers: ClinVar variation 2650789 (VCV002650789.24), dbSNP rs2148138624, ClinGen allele CA425619253.
Genomic context (GRCh38, chr2:29,193,737, plus strand): 5'-GGCCGGCCCTCTAGGGACTCGAACAGAGATCTCTGCAGCTGTGGGTTTCTTTGCAGCCTT[G>A]CCAGAGGAGGTGGTAGGCAGAGGTGGTGGGGCAGCTGGGCTGCGCTCCTCCTCCCGTTTT-3'
Protein context (NP_004295.2, residues 1440-1460): APPPLPTTSS[Gly1450=]KAAKKPTAAE

ClinVar aggregate classification (germline): Likely benign (1 of 4 stars; one submission).

Submission:

CeGaT Center for Human Genetics Tuebingen
Classification: Likely benign. Last evaluated: 2022-06-01. Review status: criteria provided, single submitter. Criteria: CeGaT Center For Human Genetics Tuebingen Variant Classification Criteria Version 2. Collection method: clinical testing. Allele origin: germline. Affected: yes. Observed: 1 variant allele.
Comment: ALK: PM2:Supporting, BP4, BP7